The following is an entry in ClinVar:

NM_001042492.3(NF1):c.7022del (p.Asn2341fs)

Gene: NF1 (neurofibromin 1; plus strand). Cytogenetic location: 17q11.2.
Variant type: Deletion.
Coding change: c.7022del on transcript NM_001042492.3 (MANE Select); coding-DNA position 7022, one base deleted (A; older notation c.7022delA).
Protein change: p.Asn2341fs; shifts the reading frame from asparagine 2341.
Molecular consequence: frameshift variant.
Genome position (GRCh38, 1-based): chr17:31,340,605, A deleted; the last of 4 consecutive A bases (chr17:31,340,602-31,340,605); deleting any one gives the same sequence. VCF-style (leftmost placement, unchanged base first): chr17-31340601-CA-C. GRCh37 (hg19) VCF-style: chr17-29667619-CA-C.
Other names: c.6959delA, p.Asn2320Thrfs (NM_000267.3); c.6959del, p.Asn2320fs (NM_000267.4); short protein forms N2320fs, N2341fs.
Identifiers: ClinVar variation 4532918 (VCV004532918.2).
Genomic context (GRCh38, chr17:31,340,601, plus strand): 5'-GTGGCTGTGCTGCAGCTTGATGAGGTCAACTTGTATTCAGCAGGTACCGCACTTCTTGAA[CA>C]AAACCTGCATACTTTAGATAGTCTCCGTATATTCAATGACAAGGTAAGCAAACTTTGCCT-3'

ClinVar aggregate classification (germline): Pathogenic/Likely pathogenic. Review status: criteria provided, multiple submitters, no conflicts (2 of 4 stars). 2 submissions from 2 submitters: Pathogenic (1); Likely pathogenic (1). Last evaluated 2025-03-17.

Conditions:
Neurofibromatosis, type 1 (NF1). Also called: Neurofibromatosis, type I; Peripheral type neurofibromatosis; VON RECKLINGHAUSEN DISEASE; NEUROFIBROMATOSIS, TYPE I, SOMATIC. Identifiers: Orphanet 636, MedGen C0027831, MONDO:0018975, OMIM 162200. Disease mechanism: loss of function.

Submissions (2):

Labcorp Genetics (formerly Invitae), Labcorp
Classification: Pathogenic for Neurofibromatosis, type 1. Last evaluated: 2025-03-17. Review status: criteria provided, single submitter. Criteria: Invitae Variant Classification Sherloc (09022015). Collection method: clinical testing. Allele origin: germline.
Comment: This sequence change creates a premature translational stop signal (p.Asn2320Thrfs*5) in the NF1 gene. It is expected to result in an absent or disrupted protein product. Loss-of-function variants in NF1 are known to be pathogenic (PMID: 10712197, 23913538). This variant is not present in population databases (gnomAD no frequency). This variant has not been reported in the literature in individuals affected with NF1-related conditions. Algorithms developed to predict the effect of sequence changes on RNA splicing suggest that this variant may disrupt the consensus splice site. For these reasons, this variant has been classified as Pathogenic.

Quest Diagnostics Nichols Institute San Juan Capistrano
Classification: Likely pathogenic. Last evaluated: 2025-03-14. Review status: criteria provided, single submitter. Criteria: Quest Diagnostics criteria. Collection method: clinical testing. Allele origin: unknown.
Comment: The NF1 c.6959del (p.Asn2320Thrfs*5) variant alters the translational reading frame of the NF1 mRNA and is predicted to cause the premature termination of NF1 protein synthesis. This variant has not been reported in individuals with NF1-related conditions in the published literature. This variant has not been reported in large, multi-ethnic general populations (Genome Aggregation Database). Based on the available information, this variant is classified as likely pathogenic.

Literature cited by the submitters: PubMed 10712197 (cited by Labcorp Genetics (formerly Invitae), Labcorp); PubMed 23913538 (cited by Labcorp Genetics (formerly Invitae), Labcorp).